The following is an entry in ClinVar:

NM_014324.6(AMACR):c.391+12A>T

Genes: AMACR (alpha-methylacyl-CoA racemase; minus strand), C1QTNF3-AMACR (C1QTNF3-AMACR readthrough (NMD candidate); minus strand). Cytogenetic location: 5p13.2.
Variant type: single nucleotide variant.
Coding change: c.391+12A>T on transcript NM_014324.6 (MANE Select); 12 bases into the intron after coding-DNA position 391, A replaced by T.
Molecular consequence: intron variant.
Genome position (GRCh38, 1-based): chr5:34,005,744, T>A on the plus strand (A>T on the coding strand, the complement: AMACR is on the minus strand). VCF-style: chr5-34005744-T-A. GRCh37 (hg19) VCF-style: chr5-34005849-T-A.
Other names: p.?; c.391+12A>T (NM_203382.3, NM_001167595.2).
Identifiers: ClinVar variation 1604344 (VCV001604344.11), dbSNP rs200119719, ClinGen allele CA3226231.

ClinVar aggregate classification (germline): Likely benign. Review status: criteria provided, multiple submitters, no conflicts (2 of 4 stars). 4 submissions from 4 submitters: Likely benign (4). Last evaluated 2026-03-05.

Conditions:
Alpha-methylacyl-CoA racemase deficiency (AMACRD). Also called: AMACR deficiency. Identifiers: Orphanet 79095, MedGen C3280428, MONDO:0013681, OMIM 614307. Disease mechanism: loss of function.

Allele frequency attached by ClinVar (database versions not stated): ExAC 0.00010; gnomAD exomes 0.00011; gnomAD 0.00014 and 0.00016; ESP Exome Variant Server 0.00015; TOPMed 0.00016; 1000 Genomes Project 30x 0.00031.
gnomAD v4.1: 362 of 1,613,928 alleles (0.022%); highest among the groups gnomAD compares: Non-Finnish European, 0.027%; 1 homozygote.

Submissions (4):

Women's Health and Genetics/Laboratory Corporation of America, LabCorp
Classification: Likely benign. Last evaluated: 2026-03-05. Review status: criteria provided, single submitter. Criteria: LabCorp Variant Classification Summary - May 2015. Collection method: clinical testing. Allele origin: germline.

Labcorp Genetics (formerly Invitae), Labcorp
Classification: Likely benign for Alpha-methylacyl-CoA racemase deficiency. Last evaluated: 2026-02-02. Review status: criteria provided, single submitter. Criteria: Invitae Variant Classification Sherloc (09022015). Collection method: clinical testing. Allele origin: germline.

Mayo Clinic Laboratories, Mayo Clinic
Classification: Likely benign. Last evaluated: 2024-12-03. Review status: criteria provided, single submitter. Criteria: ACMG Guidelines, 2015. Collection method: clinical testing. Allele origin: germline. Observed: 1 variant allele.
Comment: BP4, BP7

Blueprint Genetics
Classification: Likely benign. Last evaluated: 2023-09-18. Review status: criteria provided, single submitter. Criteria: ACMG Guidelines, 2015. Collection method: clinical testing. Allele origin: germline.